The following is an entry in ClinVar:

ClinVar aggregate classification (germline): Likely pathogenic (1 of 4 stars; one submission).

Conditions:
Smith-Lemli-Opitz syndrome (SLOS). Also called: 7-Dehydrocholesterol reductase deficiency; LETHAL ACRODYSGENITAL SYNDROME; POLYDACTYLY, SEX REVERSAL, RENAL HYPOPLASIA, AND UNILOBAR LUNG; RSH SYNDROME; RUTLEDGE LETHAL MULTIPLE CONGENITAL ANOMALY SYNDROME. Identifiers: Orphanet 818, MedGen C0175694, MONDO:0010035, OMIM 270400.

Allele frequency attached by ClinVar (database versions not stated): gnomAD exomes below 0.00001; TOPMed below 0.00001; ExAC 0.00001; gnomAD 0.00001.

Submission:

Labcorp Genetics (formerly Invitae), Labcorp
Classification: Likely pathogenic for Smith-Lemli-Opitz syndrome. Last evaluated: 2022-09-06. Review status: criteria provided, single submitter. Criteria: Invitae Variant Classification Sherloc (09022015). Collection method: clinical testing. Allele origin: germline.
Comment: The frequency data for this variant in the population databases is considered unreliable, as metrics indicate poor data quality at this position in the gnomAD database. This missense change has been observed in individual(s) with clinical features of Smith-Lemli-Opitz syndrome (Invitae). In at least one individual the data is consistent with being in trans (on the opposite chromosome) from a pathogenic variant. Advanced modeling of protein sequence and biophysical properties (such as structural, functional, and spatial information, amino acid conservation, physicochemical variation, residue mobility, and thermodynamic stability) performed at Invitae indicates that this missense variant is expected to disrupt DHCR7 protein function. This variant disrupts the p.Gly347 amino acid residue in DHCR7. Other variant(s) that disrupt this residue have been determined to be pathogenic (PMID: 15776424, 33204589). This suggests that this residue is clinically significant, and that variants that disrupt this residue are likely to be disease-causing. In summary, the currently available evidence indicates that the variant is pathogenic, but additional data are needed to prove that conclusively. Therefore, this variant has been classified as Likely Pathogenic. This sequence change replaces glycine, which is neutral and non-polar, with valine, which is neutral and non-polar, at codon 347 of the DHCR7 protein (p.Gly347Val).

Literature cited by the submitters: PubMed 15776424; PubMed 33204589.

NM_001360.3(DHCR7):c.1040G>T (p.Gly347Val)

Gene: DHCR7 (7-dehydrocholesterol reductase; minus strand). Cytogenetic location: 11q13.4.
Variant type: single nucleotide variant.
Coding change: c.1040G>T on transcript NM_001360.3 (MANE Select); coding-DNA position 1040, G replaced by T.
Protein change: p.Gly347Val; replaces glycine 347 with valine.
Molecular consequence: missense variant.
Genome position (GRCh38, 1-based): chr11:71,435,763, C>A on the plus strand (G>T on the coding strand, the complement: DHCR7 is on the minus strand). VCF-style: chr11-71435763-C-A. GRCh37 (hg19) VCF-style: chr11-71146809-C-A.
Other names: c.1040G>T, p.Gly347Val (NM_001163817.2); short protein forms G347V.
Identifiers: ClinVar variation 1984076 (VCV001984076.4), dbSNP rs770174208, ClinGen allele CA6162329.